The following is an entry in ClinVar:

ClinVar aggregate classification (germline): Uncertain significance (1 of 4 stars; one submission).

gnomAD v4.1: 1 of 1,537,000 alleles (0.000065%); highest among the groups gnomAD compares: Admixed American, 0.002%; no homozygotes.

Submission:

Labcorp Genetics (formerly Invitae), Labcorp
Classification: Uncertain significance. Last evaluated: 2022-07-29. Review status: criteria provided, single submitter. Criteria: Invitae Variant Classification Sherloc (09022015). Collection method: clinical testing. Allele origin: germline.
Comment: This variant has not been reported in the literature in individuals affected with ARID1B-related conditions. Algorithms developed to predict the effect of missense changes on protein structure and function are either unavailable or do not agree on the potential impact of this missense change (SIFT: "Deleterious"; PolyPhen-2: "Not Available"; Align-GVGD: "Class C0"). In summary, the available evidence is currently insufficient to determine the role of this variant in disease. Therefore, it has been classified as a Variant of Uncertain Significance. This variant is not present in population databases (gnomAD no frequency). This sequence change replaces serine, which is neutral and polar, with cysteine, which is neutral and slightly polar, at codon 40 of the ARID1B protein (p.Ser40Cys).

NM_001374828.1(ARID1B):c.368C>G (p.Ser123Cys)

Genes: ARID1B (AT-rich interaction domain 1B; plus strand), LOC115308161 (uncharacterized LOC115308161; minus strand). Cytogenetic location: 6q25.3.
Variant type: single nucleotide variant.
Coding change: c.368C>G on transcript NM_001374828.1 (MANE Select); coding-DNA position 368, C replaced by G.
Protein change: p.Ser123Cys; replaces serine 123 with cysteine.
Molecular consequence: missense variant.
Genome position (GRCh38, 1-based): chr6:156,778,048, C>G. VCF-style: chr6-156778048-C-G. GRCh37 (hg19) VCF-style: chr6-157099182-C-G.
Other names: c.119C>G, p.Ser40Cys (NM_001346813.1, NM_020732.3); c.368C>G, p.Ser123Cys (NM_001371656.1, NM_001374820.1, NM_017519.3); c.-56C>G (NM_175863.2); short protein forms S123C, S40C.
Identifiers: ClinVar variation 2016017 (VCV002016017.4), dbSNP rs1210872756, ClinGen allele CA366381170.
Genomic context (GRCh38, chr6:156,778,048, plus strand): 5'-GCTCCGAGGCGGCTCTCAAGGAGGGTGGAAGCGCCGCCGCGCTGTCCTCCTCCTCCTCCT[C>G]CTCCGCGGCGGCAGCGGCGGCATCCTCTTCCTCCTCGTCGGGCCCGGGCTCGGCCATGGA-3'
Protein context (NP_001361757.1, residues 113-133): SAAALSSSSS[Ser123Cys]SAAAAAASSS